The following is an entry in ClinVar:

NM_003924.4(PHOX2B):c.867T>C (p.Gly289=)

Gene: PHOX2B (paired like homeobox 2B; minus strand). Cytogenetic location: 4p13.
Variant type: single nucleotide variant.
Coding change: c.867T>C on transcript NM_003924.4 (MANE Select); coding-DNA position 867, T replaced by C.
Protein change: p.Gly289=; no amino-acid change (glycine 289 retained).
Molecular consequence: synonymous variant.
Genome position (GRCh38, 1-based): chr4:41,745,885, A>G on the plus strand (T>C on the coding strand, the complement: PHOX2B is on the minus strand). VCF-style: chr4-41745885-A-G. GRCh37 (hg19) VCF-style: chr4-41747902-A-G.
Identifiers: ClinVar variation 1764284 (VCV001764284.10), dbSNP rs2552096770, ClinGen allele CA439142866.

ClinVar aggregate classification (germline): Likely benign. Review status: criteria provided, multiple submitters, no conflicts (2 of 4 stars). 2 submissions from 2 submitters: Likely benign (2). Last evaluated 2025-08-01.

Conditions:
Hereditary cancer-predisposing syndrome. Also called: Hereditary neoplastic syndrome; Neoplastic Syndromes, Hereditary; Tumor predisposition; Hereditary Cancer Syndrome. Identifiers: Orphanet 140162, MedGen C0027672, MeSH D009386, MONDO:0015356.

Submissions (2):

CeGaT Center for Human Genetics Tuebingen
Classification: Likely benign. Last evaluated: 2025-08-01. Review status: criteria provided, single submitter. Criteria: CeGaT Center For Human Genetics Tuebingen Variant Classification Criteria Version 2. Collection method: clinical testing. Allele origin: germline. Affected: yes. Observed: 1 variant allele.
Comment: PHOX2B: PM2:Supporting, BP4, BP7

Ambry Genetics
Classification: Likely benign for Hereditary cancer-predisposing syndrome. Last evaluated: 2020-06-10. Review status: criteria provided, single submitter. Criteria: Ambry Variant Classification Scheme 2023. Collection method: clinical testing. Allele origin: germline.